The following is an entry in ClinVar:

ClinVar aggregate classification (germline): Uncertain significance. Review status: criteria provided, multiple submitters, no conflicts (2 of 4 stars). 2 submissions from 2 submitters: Uncertain significance (2). Last evaluated 2026-07-07.

Conditions:
Hereditary cancer-predisposing syndrome. Also called: Hereditary neoplastic syndrome; Neoplastic Syndromes, Hereditary; Tumor predisposition; Hereditary Cancer Syndrome. Identifiers: Orphanet 140162, MedGen C0027672, MeSH D009386, MONDO:0015356.
Hereditary pheochromocytoma and paraganglioma. Also called: Hereditary Paraganglioma-Pheochromocytoma Syndromes; Hereditary paragangliomas and pheochromocytomas; Hereditary pheochromocytoma-paraganglioma. Identifiers: Orphanet 29072, MedGen C4274332, MONDO:0017366.

Submissions (2):

Ambry Genetics
Classification: Uncertain significance for Hereditary cancer-predisposing syndrome. Last evaluated: 2026-07-07. Review status: criteria provided, single submitter. Criteria: Ambry Variant Classification Scheme 2023. Collection method: clinical testing. Allele origin: germline.
Comment: The p.A235P variant (also known as c.703G>C), located in coding exon 3 of the TMEM127 gene, results from a G to C substitution at nucleotide position 703. The alanine at codon 235 is replaced by proline, an amino acid with highly similar properties. This amino acid position is conserved. In addition, this alteration is predicted to be deleterious by in silico analysis. Based on the available evidence, the clinical significance of this variant remains unclear.

Labcorp Genetics (formerly Invitae), Labcorp
Classification: Uncertain significance for Hereditary pheochromocytoma and paraganglioma. Last evaluated: 2022-11-17. Review status: criteria provided, single submitter. Criteria: Invitae Variant Classification Sherloc (09022015). Collection method: clinical testing. Allele origin: germline.
Comment: In summary, the available evidence is currently insufficient to determine the role of this variant in disease. Therefore, it has been classified as a Variant of Uncertain Significance. Algorithms developed to predict the effect of missense changes on protein structure and function (SIFT, PolyPhen-2, Align-GVGD) all suggest that this variant is likely to be disruptive. This variant has not been reported in the literature in individuals affected with TMEM127-related conditions. This variant is not present in population databases (gnomAD no frequency). This sequence change replaces alanine, which is neutral and non-polar, with proline, which is neutral and non-polar, at codon 235 of the TMEM127 protein (p.Ala235Pro).

NM_017849.4(TMEM127):c.703G>C (p.Ala235Pro)

Gene: TMEM127 (transmembrane protein 127; minus strand). Cytogenetic location: 2q11.2.
Variant type: single nucleotide variant.
Coding change: c.703G>C on transcript NM_017849.4 (MANE Select); coding-DNA position 703, G replaced by C.
Protein change: p.Ala235Pro; replaces alanine 235 with proline.
Molecular consequence: missense variant.
Genome position (GRCh38, 1-based): chr2:96,253,822, C>G on the plus strand (G>C on the coding strand, the complement: TMEM127 is on the minus strand). VCF-style: chr2-96253822-C-G. GRCh37 (hg19) VCF-style: chr2-96919560-C-G.
Other names: c.703G>C, p.Ala235Pro (NM_001193304.3); c.451G>C, p.Ala151Pro (NM_001407282.1, NM_001407283.1); short protein forms A151P, A235P.
Identifiers: ClinVar variation 1949452 (VCV001949452.6), dbSNP rs756910411, ClinGen allele CA347650937.
Genomic context (GRCh38, chr2:96,253,822, plus strand): 5'-CAGAGTTGAGGGAGGGGCTGCCGAGGAAGAGAGCCCAGGGCTGGCATTAGGGTGTGTAAG[C>G]AGGGGGTGGCTGGAACTGGTTGATGACCTCATATTCCGCCGGGTAGGGCTCGTTCTCTTC-3'
Protein context (NP_060319.1, residues 225-238): EVINQFQPPP[Ala235Pro]YTP